The following is an entry in ClinVar:

NM_139027.6(ADAMTS13):c.2360_2363dup (p.Ala789fs)

Gene: ADAMTS13 (ADAM metallopeptidase with thrombospondin type 1 motif 13; plus strand). Cytogenetic location: 9q34.2.
Variant type: Duplication.
Coding change: c.2360_2363dup on transcript NM_139027.6 (MANE Select); coding-DNA positions 2360 to 2363, 4 bases duplicated (CAGG; older notation c.2360_2363dupCAGG).
Protein change: p.Ala789fs; shifts the reading frame from alanine 789.
Molecular consequence: frameshift variant.
Genome position (GRCh38, 1-based): chr9:133,443,501-133,443,504, CAGG duplicated; duplicating any 4 consecutive bases within chr9:133,443,500-133,443,504 gives the same sequence; the c. name uses the placement nearest the transcript's 3' end. VCF-style (leftmost placement, unchanged base first): chr9-133443499-A-AGCAG. GRCh37 (hg19) VCF-style: chr9-136308620-A-AGCAG.
Other names: p.Ala789Argfs*57; c.2360_2363dup, p.Ala789fs (NM_139025.5); c.2267_2270dup, p.Ala758fs (NM_139026.6); short protein forms A758fs, A789fs.
Identifiers: ClinVar variation 3381059 (VCV003381059.2).

ClinVar aggregate classification (germline): Likely pathogenic (1 of 4 stars; one submission).

Submission:

Mayo Clinic Laboratories, Mayo Clinic
Classification: Likely pathogenic. Last evaluated: 2024-07-29. Review status: criteria provided, single submitter. Criteria: ACMG Guidelines, 2015. Collection method: clinical testing. Allele origin: germline. Observed: 2 variant alleles.
Comment: PM2_supporting, PVS1